The following is an entry in ClinVar:

ClinVar aggregate classification (germline): Likely benign (1 of 4 stars; one submission).

Allele frequency attached by ClinVar (database versions not stated): gnomAD exomes below 0.00001.

Submission:

CeGaT Center for Human Genetics Tuebingen
Classification: Likely benign. Last evaluated: 2026-08-01. Review status: criteria provided, single submitter. Criteria: CeGaT Center For Human Genetics Tuebingen Variant Classification Criteria Version 2. Collection method: clinical testing. Allele origin: germline. Affected: yes. Observed: 6 variant alleles.
Comment: BTBD17: BP4, BP7

NM_001080466.2(BTBD17):c.1002C>T (p.Asp334=)

Gene: BTBD17 (BTB domain containing 17; minus strand). Cytogenetic location: 17q25.1.
Variant type: single nucleotide variant.
Coding change: c.1002C>T on transcript NM_001080466.2 (MANE Select); coding-DNA position 1002, C replaced by T.
Protein change: p.Asp334=; no amino-acid change (aspartic acid 334 retained).
Molecular consequence: synonymous variant.
Genome position (GRCh38, 1-based): chr17:74,357,092, G>A on the plus strand (C>T on the coding strand, the complement: BTBD17 is on the minus strand). VCF-style: chr17-74357092-G-A. GRCh37 (hg19) VCF-style: chr17-72353231-G-A.
Identifiers: ClinVar variation 2648213 (VCV002648213.24), dbSNP rs2509857977, ClinGen allele CA502029860.
Genomic context (GRCh38, chr17:74,357,092, plus strand): 5'-GACCCGGCGGCCCGCGTCGTGGCCACTCGGGCCCAGCTGCGTCTGGAAGCTGGTGCTGCG[G>A]TCGTCGCGGGCCGGGTTGTTGATGACCCACGGGGCGCCCCAGGCGGGCGCGAGGTAGTTG-3'
Protein context (NP_001073935.1, residues 324-344): PWVINNPARD[Asp334=]RSTSFQTQLG